The following is an entry in ClinVar:

ClinVar aggregate classification (germline): Uncertain significance. Review status: criteria provided, multiple submitters, no conflicts (2 of 4 stars). 3 submissions from 3 submitters: Uncertain significance (3). Last evaluated 2024-06-22.

Conditions:
DICER1-related tumor predisposition. Also called: DICER1-related pleuropulmonary blastoma cancer predisposition syndrome; DICER1 syndrome. Identifiers: Orphanet 284343, MedGen C3839822, MONDO:0100216.
Hereditary cancer-predisposing syndrome. Also called: Neoplastic Syndromes, Hereditary; Hereditary neoplastic syndrome; Hereditary Cancer Syndrome; Tumor predisposition. Identifiers: Orphanet 140162, MedGen C0027672, MeSH D009386, MONDO:0015356.

Submissions (3):

Ambry Genetics
Classification: Uncertain significance for Hereditary cancer-predisposing syndrome. Last evaluated: 2024-06-22. Review status: criteria provided, single submitter. Criteria: Ambry Variant Classification Scheme 2023. Collection method: clinical testing. Allele origin: germline.
Comment: The p.N139K variant (also known as c.417C>G), located in coding exon 3 of the DICER1 gene, results from a C to G substitution at nucleotide position 417. The asparagine at codon 139 is replaced by lysine, an amino acid with similar properties. This amino acid position is not well conserved in available vertebrate species. In addition, this alteration is predicted to be tolerated by in silico analysis. Since supporting evidence is limited at this time, the clinical significance of this alteration remains unclear.

Labcorp Genetics (formerly Invitae), Labcorp
Classification: Uncertain significance for DICER1-related tumor predisposition. Last evaluated: 2024-03-17. Review status: criteria provided, single submitter. Criteria: Invitae Variant Classification Sherloc (09022015). Collection method: clinical testing. Allele origin: germline.
Comment: This sequence change replaces asparagine, which is neutral and polar, with lysine, which is basic and polar, at codon 139 of the DICER1 protein (p.Asn139Lys). This variant is not present in population databases (gnomAD no frequency). This variant has not been reported in the literature in individuals affected with DICER1-related conditions. ClinVar contains an entry for this variant (Variation ID: 947504). Advanced modeling of protein sequence and biophysical properties (such as structural, functional, and spatial information, amino acid conservation, physicochemical variation, residue mobility, and thermodynamic stability) performed at Invitae indicates that this missense variant is not expected to disrupt DICER1 protein function with a negative predictive value of 80%. In summary, the available evidence is currently insufficient to determine the role of this variant in disease. Therefore, it has been classified as a Variant of Uncertain Significance.

GeneDx
Classification: Uncertain significance. Last evaluated: 2023-12-27. Review status: criteria provided, single submitter. Criteria: GeneDx Variant Classification Process June 2021. Collection method: clinical testing. Allele origin: germline. Affected: yes.
Comment: Not observed at significant frequency in large population cohorts (gnomAD); In silico analysis supports that this missense variant does not alter protein structure/function; Has not been previously published as pathogenic or benign to our knowledge

NM_177438.3(DICER1):c.417C>G (p.Asn139Lys)

Gene: DICER1 (dicer 1, ribonuclease III; minus strand). Cytogenetic location: 14q32.13.
Variant type: single nucleotide variant.
Coding change: c.417C>G on transcript NM_177438.3 (MANE Select); coding-DNA position 417, C replaced by G.
Protein change: p.Asn139Lys; replaces asparagine 139 with lysine.
Molecular consequence: missense variant.
Genome position (GRCh38, 1-based): chr14:95,131,530, G>C on the plus strand (C>G on the coding strand, the complement: DICER1 is on the minus strand). VCF-style: chr14-95131530-G-C. GRCh37 (hg19) VCF-style: chr14-95597867-G-C.
Other names: c.417C>G, p.Asn139Lys (NM_001195573.1, NM_001271282.3, NM_001291628.2 and 1 more transcripts); short protein forms N139K.
Identifiers: ClinVar variation 947504 (VCV000947504.15), dbSNP rs1893947224, ClinGen allele CA390888865.